The following is an entry in ClinVar:

ClinVar aggregate classification (germline): Uncertain significance (1 of 4 stars; one submission).

Conditions:
Cardiomyopathy (CMYO). Also called: Cardiomyopathies. Identifiers: Orphanet 167848, MedGen C0878544, MONDO:0004994, HP:0001638. Inheritance: Various modes of inheritance.

Submission:

Color Diagnostics, LLC DBA Color Health
Classification: Uncertain significance for Cardiomyopathy. Last evaluated: 2024-03-06. Review status: criteria provided, single submitter. Criteria: ACMG Guidelines, 2015. Collection method: clinical testing. Allele origin: germline.
Comment: This missense variant replaces asparagine with lysine at codon 68 of the DSG2 protein. Computational prediction suggests that this variant may not impact protein structure and function (internally defined REVEL score threshold <= 0.5, PMID: 27666373). To our knowledge, functional studies have not been reported for this variant. This variant has not been reported in individuals affected with cardiovascular disorders in the literature. This variant has not been identified in the general population by the Genome Aggregation Database (gnomAD). The available evidence is insufficient to determine the role of this variant in disease conclusively. Therefore, this variant is classified as a Variant of Uncertain Significance.

NM_001943.5(DSG2):c.204T>G (p.Asn68Lys)

Gene: DSG2 (desmoglein 2; plus strand). Cytogenetic location: 18q12.1.
Variant type: single nucleotide variant.
Coding change: c.204T>G on transcript NM_001943.5 (MANE Select); coding-DNA position 204, T replaced by G.
Protein change: p.Asn68Lys; replaces asparagine 68 with lysine.
Molecular consequence: missense variant.
Genome position (GRCh38, 1-based): chr18:31,519,925, T>G. VCF-style: chr18-31519925-T-G. GRCh37 (hg19) VCF-style: chr18-29099888-T-G.
Other names: short protein forms N68K.
Identifiers: ClinVar variation 1332531 (VCV001332531.3), dbSNP rs2144314356, ClinGen allele CA402131022.